The following is an entry in ClinVar:

ClinVar aggregate classification (germline): Uncertain significance. Review status: criteria provided, multiple submitters, no conflicts (2 of 4 stars). 3 submissions from 3 submitters: Uncertain significance (3). Last evaluated 2024-10-23.

Allele frequency attached by ClinVar (database versions not stated): gnomAD exomes 0.00001; ExAC 0.00002; TOPMed 0.00002; ESP Exome Variant Server 0.00008.
gnomAD v4.1: 9 of 1,611,850 alleles (0.00056%); highest among the groups gnomAD compares: African/African-American, 0.0053%; no homozygotes.

Submissions (3):

Blueprint Genetics
Classification: Uncertain significance. Last evaluated: 2024-10-23. Review status: criteria provided, single submitter. Criteria: ACMG Guidelines, 2015. Collection method: clinical testing. Allele origin: germline.

Ambry Genetics
Classification: Uncertain significance. Last evaluated: 2024-03-19. Review status: criteria provided, single submitter. Criteria: Ambry Variant Classification Scheme 2023. Collection method: clinical testing. Allele origin: germline.

Labcorp Genetics (formerly Invitae), Labcorp
Classification: Uncertain significance. Last evaluated: 2022-08-05. Review status: criteria provided, single submitter. Criteria: Invitae Variant Classification Sherloc (09022015). Collection method: clinical testing. Allele origin: germline.
Comment: This sequence change replaces alanine, which is neutral and non-polar, with valine, which is neutral and non-polar, at codon 447 of the RCBTB1 protein (p.Ala447Val). This variant is present in population databases (rs375322776, gnomAD 0.007%). This variant has not been reported in the literature in individuals affected with RCBTB1-related conditions. Algorithms developed to predict the effect of missense changes on protein structure and function are either unavailable or do not agree on the potential impact of this missense change (SIFT: "Deleterious"; PolyPhen-2: "Probably Damaging"; Align-GVGD: "Class C0"). In summary, the available evidence is currently insufficient to determine the role of this variant in disease. Therefore, it has been classified as a Variant of Uncertain Significance.

NM_018191.4(RCBTB1):c.1340C>T (p.Ala447Val)

Gene: RCBTB1 (RCC1 and BTB domain containing protein 1; minus strand). Cytogenetic location: 13q14.2.
Variant type: single nucleotide variant.
Coding change: c.1340C>T on transcript NM_018191.4 (MANE Select); coding-DNA position 1340, C replaced by T.
Protein change: p.Ala447Val; replaces alanine 447 with valine.
Molecular consequence: missense variant. On other transcripts: non-coding transcript variant (2).
Genome position (GRCh38, 1-based): chr13:49,540,991, G>A on the plus strand (C>T on the coding strand, the complement: RCBTB1 is on the minus strand). VCF-style: chr13-49540991-G-A. GRCh37 (hg19) VCF-style: chr13-50115127-G-A.
Other names: c.1340C>T (NM_018191.3); c.1340C>T, p.Ala447Val (NM_001352500.2, NM_001352501.2, NM_001352502.2 and 2 more transcripts); c.761C>T, p.Ala254Val (NM_001352506.2); short protein forms A254V, A447V.
Identifiers: ClinVar variation 1959902 (VCV001959902.4), dbSNP rs375322776, ClinGen allele CA6982590.